The following is an entry in ClinVar:

ClinVar aggregate classification (germline): Likely benign. Review status: criteria provided, single submitter (1 of 4 stars). 3 submissions from 3 submitters: Likely benign (1). 2 of the submissions do not count toward it. Last evaluated 2024-11-27.

Conditions:
Autosomal recessive osteopetrosis 1. Also called: ALBERS-SCHONBERG DISEASE, AUTOSOMAL RECESSIVE; TCIRG1-Related Osteopetrosis; TCIRG1-Related Autosomal Recessive Osteopetrosis. Identifiers: Orphanet 667, MedGen C1850127, MONDO:0009815, OMIM 259700.
TCIRG1-related disorder. Also called: TCIRG1-related condition.

Allele frequency attached by ClinVar (database versions not stated): TOPMed 0.00064; gnomAD 0.00069 and 0.00070; 1000 Genomes Project 0.00100; gnomAD exomes 0.00105; 1000 Genomes Project 30x 0.00109.
gnomAD v4.1: 1,055 of 1,071,580 alleles (0.098%); highest among the groups gnomAD compares: Non-Finnish European, 0.13%; no homozygotes.

Submissions (3):

Blueprint Genetics
Classification: Likely benign. Last evaluated: 2024-11-27. Review status: criteria provided, single submitter. Criteria: ACMG Guidelines, 2015. Collection method: clinical testing. Allele origin: germline.

Natera, Inc.
Classification: Uncertain significance for Infantile malignant osteopetrosis. Last evaluated: 2020-04-16. Review status: no assertion criteria provided. Collection method: clinical testing. Allele origin: germline. Not counted in ClinVar's aggregate classification.

PreventionGenetics, part of Exact Sciences
Classification: Likely benign for TCIRG1-related condition. Last evaluated: 2019-03-05. Review status: no assertion criteria provided. Collection method: clinical testing. Allele origin: germline. Not counted in ClinVar's aggregate classification.
Comment: This variant is classified as likely benign based on ACMG/AMP sequence variant interpretation guidelines (Richards et al. 2015 PMID: 25741868, with internal and published modifications).

NM_006019.4(TCIRG1):c.1887+131G>A

Gene: TCIRG1 (T cell immune regulator 1, ATPase H+ transporting V0 subunit a3; plus strand). Cytogenetic location: 11q13.2.
Variant type: single nucleotide variant.
Coding change: c.1887+131G>A on transcript NM_006019.4 (MANE Select); 131 bases into the intron after coding-DNA position 1887, G replaced by A.
Molecular consequence: intron variant.
Genome position (GRCh38, 1-based): chr11:68,049,425, G>A. VCF-style: chr11-68049425-G-A. GRCh37 (hg19) VCF-style: chr11-67816892-G-A.
Other names: c.1887+131G>A (NM_006019.3); c.993+131G>A (NM_001351059.2); c.1239+131G>A (NM_006053.4).
Identifiers: ClinVar variation 991508 (VCV000991508.4), dbSNP rs78820476, ClinGen allele CA224210002.